The following is an entry in ClinVar:

ClinVar aggregate classification (germline): Uncertain significance. Review status: criteria provided, multiple submitters, no conflicts (2 of 4 stars). 4 submissions from 4 submitters: Uncertain significance (4). Last evaluated 2024-07-15.

Conditions:
Immunodeficiency 51 (IMD51). Also called: CANDIDIASIS, FAMILIAL, 5. Identifiers: Orphanet 1334, MedGen C4310803, MONDO:0013500, OMIM 613953.

Allele frequency attached by ClinVar (database versions not stated): gnomAD exomes 0.00017 and 0.00038; gnomAD 0.00021 and 0.00022; ESP Exome Variant Server 0.00024; TOPMed 0.00025; ExAC 0.00027.
gnomAD v4.1: 573 of 1,592,748 alleles (0.036%); highest among the groups gnomAD compares: Non-Finnish European, 0.047%; no homozygotes.

Submissions (4):

Blueprint Genetics
Classification: Uncertain significance. Last evaluated: 2024-07-15. Review status: criteria provided, single submitter. Criteria: ACMG Guidelines, 2015. Collection method: clinical testing. Allele origin: germline.

Labcorp Genetics (formerly Invitae), Labcorp
Classification: Uncertain significance for Immunodeficiency 51. Last evaluated: 2022-10-25. Review status: criteria provided, single submitter. Criteria: Invitae Variant Classification Sherloc (09022015). Collection method: clinical testing. Allele origin: germline.
Comment: This sequence change replaces leucine, which is neutral and non-polar, with histidine, which is basic and polar, at codon 828 of the IL17RA protein (p.Leu828His). This variant is present in population databases (rs373598318, gnomAD 0.03%). This variant has not been reported in the literature in individuals affected with IL17RA-related conditions. ClinVar contains an entry for this variant (Variation ID: 655608). Algorithms developed to predict the effect of missense changes on protein structure and function are either unavailable or do not agree on the potential impact of this missense change (SIFT: "Deleterious"; PolyPhen-2: "Probably Damaging"; Align-GVGD: "Class C0"). In summary, the available evidence is currently insufficient to determine the role of this variant in disease. Therefore, it has been classified as a Variant of Uncertain Significance.

Ambry Genetics
Classification: Uncertain significance. Last evaluated: 2021-09-01. Review status: criteria provided, single submitter. Criteria: Ambry Variant Classification Scheme 2023. Collection method: clinical testing. Allele origin: germline.

Revvity Omics, Revvity
Classification: Uncertain significance for Immunodeficiency 51. Last evaluated: 2021-06-05. Review status: criteria provided, single submitter. Criteria: ACMG Guidelines, 2015. Collection method: clinical testing. Allele origin: germline.

NM_014339.7(IL17RA):c.2483T>A (p.Leu828His)

Gene: IL17RA (interleukin 17 receptor A; plus strand). Cytogenetic location: 22q11.1.
Variant type: single nucleotide variant.
Coding change: c.2483T>A on transcript NM_014339.7 (MANE Select); coding-DNA position 2483, T replaced by A.
Protein change: p.Leu828His; replaces leucine 828 with histidine.
Molecular consequence: missense variant.
Genome position (GRCh38, 1-based): chr22:17,109,702, T>A. VCF-style: chr22-17109702-T-A. GRCh37 (hg19) VCF-style: chr22-17590592-T-A.
Other names: c.2483T>A (NM_014339.5); c.2381T>A, p.Leu794His (NM_001289905.2); short protein forms L794H, L828H.
Identifiers: ClinVar variation 655608 (VCV000655608.10), dbSNP rs373598318, ClinGen allele CA10087001.